The following is an entry in ClinVar:

NM_020408.6(LYRM4):c.86+65T>C

Genes: FARS2 (phenylalanyl-tRNA synthetase 2, mitochondrial; plus strand), LYRM4 (LYR motif containing 4; minus strand), LOC129995672 (ATAC-STARR-seq lymphoblastoid silent region 16873; plus strand). Cytogenetic location: 6p25.1.
Variant type: single nucleotide variant.
Coding change: c.86+65T>C on transcript NM_020408.6 (MANE Select); 65 bases into the intron after coding-DNA position 86, T replaced by C.
Molecular consequence: intron variant.
Genome position (GRCh38, 1-based): chr6:5,260,583, A>G on the plus strand (T>C on the coding strand, the complement: LYRM4 is on the minus strand). VCF-style: chr6-5260583-A-G. GRCh37 (hg19) VCF-style: chr6-5260816-A-G.
Other names: c.86+65T>C (NM_001318783.1, NM_001164841.3, NM_001318782.1 and 1 more transcripts).
Identifiers: ClinVar variation 1261629 (VCV001261629.2), dbSNP rs4141761, ClinGen allele CA12313753.

ClinVar aggregate classification (germline): Benign (1 of 4 stars; one submission).

Allele frequency attached by ClinVar (database versions not stated): TOPMed 0.33140; gnomAD 0.34690 and 0.35566; 1000 Genomes Project 30x 0.35025; 1000 Genomes Project 0.36162.
gnomAD v4.1: 456,818 of 1,104,190 alleles (41%); highest among the groups gnomAD compares: South Asian, 50%; 117,690 homozygotes.

Submission:

GeneDx
Classification: Benign. Last evaluated: 2019-08-06. Review status: criteria provided, single submitter. Criteria: GeneDx Variant Classification Process June 2021. Collection method: clinical testing. Allele origin: germline. Affected: yes.
Comment: This variant is associated with the following publications: (PMID: 21968932)